The following is an entry in ClinVar:

ClinVar aggregate classification (germline): Pathogenic (1 of 4 stars; one submission).

Conditions:
Genitopatellar syndrome (GTPTS). Also called: ABSENT PATELLAE, SCROTAL HYPOPLASIA, RENAL ANOMALIES, FACIAL DYSMORPHISM, AND MENTAL RETARDATION; Genitopatellar syndrome (GPS). Identifiers: Orphanet 85201, MedGen C1853566, MONDO:0011640, OMIM 606170.

Submission:

Labcorp Genetics (formerly Invitae), Labcorp
Classification: Pathogenic for Genitopatellar syndrome. Last evaluated: 2018-03-13. Review status: criteria provided, single submitter. Criteria: Invitae Variant Classification Sherloc (09022015). Collection method: clinical testing. Allele origin: germline.
Comment: This sequence change results in a premature translational stop signal in the KAT6B gene (p.Gln1764*). While this is not anticipated to result in nonsense mediated decay, it is expected to delete the last 280 amino acids of the KAT6B protein. This variant is not present in population databases (ExAC no frequency). This variant has not been reported in the literature in individuals with KAT6B-related disease. A different truncation (p.Arg1797*) that lies downstream of this variant has been determined to be likely pathogenic (PMID: 22077973). This suggests that deletion of this region of the KAT6B protein is causative of disease. For these reasons, this variant has been classified as Pathogenic.

Literature cited by the submitters: PubMed 22077973.

NM_012330.4(KAT6B):c.5290C>T (p.Gln1764Ter)

Gene: KAT6B (lysine acetyltransferase 6B; plus strand). Cytogenetic location: 10q22.2.
Variant type: single nucleotide variant.
Coding change: c.5290C>T on transcript NM_012330.4 (MANE Select); coding-DNA position 5290, C replaced by T.
Protein change: p.Gln1764Ter; replaces glutamine 1764 with a stop codon.
Molecular consequence: nonsense.
Genome position (GRCh38, 1-based): chr10:75,030,114, C>T. VCF-style: chr10-75030114-C-T. GRCh37 (hg19) VCF-style: chr10-76789872-C-T.
Other names: c.4741C>T, p.Gln1581Ter (NM_001256468.2, NM_001370138.1); c.4414C>T, p.Gln1472Ter (NM_001256469.2, NM_001370139.1, NM_001370140.1 and 2 more transcripts); c.4252C>T, p.Gln1418Ter (NM_001370132.1); c.3601C>T, p.Gln1201Ter (NM_001370133.1); c.3205C>T, p.Gln1069Ter (NM_001370134.1); c.2947C>T, p.Gln983Ter (NM_001370135.1); c.5290C>T, p.Gln1764Ter (NM_001370136.1, NM_001370137.1); c.4225C>T, p.Gln1409Ter (NM_001370143.1, NM_001370144.1); short protein forms Q1764*, Q1418*, Q1409*, Q983*, Q1069*, Q1201*, Q1472*, Q1581*.
Identifiers: ClinVar variation 567140 (VCV000567140.7), dbSNP rs1564632652, ClinGen allele CA377300736.
Genomic context (GRCh38, chr10:75,030,114, plus strand): 5'-CCGACCTGCAGCGTCAAGTCTCCTCAAGGCTGTGTGGTGGAGAGGCCTCCGAGCAGCAGC[C>T]AGCAGCTGGCTCAGTGCAGCATGGCTGCTAACTTCACCCCACCCATGCAGCTGGCTGAAA-3'